The following is an entry in ClinVar:

ClinVar aggregate classification (germline): Uncertain significance (1 of 4 stars; one submission).

gnomAD v4.1: 7 of 1,613,052 alleles (0.00043%); highest among the groups gnomAD compares: East Asian, 0.0045%; no homozygotes.

Submission:

GeneDx
Classification: Uncertain significance. Last evaluated: 2023-06-14. Review status: criteria provided, single submitter. Criteria: GeneDx Variant Classification Process June 2021. Collection method: clinical testing. Allele origin: germline. Affected: yes.
Comment: Not observed at significant frequency in large population cohorts (gnomAD); In silico analysis supports that this missense variant does not alter protein structure/function; Has not been previously published as pathogenic or benign to our knowledge

NM_012233.3(RAB3GAP1):c.859C>T (p.His287Tyr)

Gene: RAB3GAP1 (RAB3 GTPase activating protein catalytic subunit 1; plus strand). Cytogenetic location: 2q21.3.
Variant type: single nucleotide variant.
Coding change: c.859C>T on transcript NM_012233.3 (MANE Select); coding-DNA position 859, C replaced by T.
Protein change: p.His287Tyr; replaces histidine 287 with tyrosine.
Molecular consequence: missense variant.
Genome position (GRCh38, 1-based): chr2:135,126,209, C>T. VCF-style: chr2-135126209-C-T. GRCh37 (hg19) VCF-style: chr2-135883779-C-T.
Other names: c.859C>T, p.His287Tyr (NM_001172435.2); short protein forms H287Y.
Identifiers: ClinVar variation 3359801 (VCV003359801.1).